The following is an entry in ClinVar:

NM_001377.3(DYNC2H1):c.5389G>A (p.Gly1797Ser)

Gene: DYNC2H1 (dynein cytoplasmic 2 heavy chain 1; plus strand). Cytogenetic location: 11q22.3.
Variant type: single nucleotide variant.
Coding change: c.5389G>A on transcript NM_001377.3 (MANE Select); coding-DNA position 5389, G replaced by A.
Protein change: p.Gly1797Ser; replaces glycine 1797 with serine.
Molecular consequence: missense variant.
Genome position (GRCh38, 1-based): chr11:103,173,136, G>A. VCF-style: chr11-103173136-G-A. GRCh37 (hg19) VCF-style: chr11-103043865-G-A.
Other names: c.5389G>A, p.Gly1797Ser (NM_001080463.2); short protein forms G1797S.
Identifiers: ClinVar variation 423201 (VCV000423201.2), dbSNP rs1064796293, ClinGen allele CA16619088.
Genomic context (GRCh38, chr11:103,173,136, plus strand): 5'-TTTCAGGTAGAAGTAAATTCTAATTCTGGAATTTTTATCACTATGAATCCTGCTGGAAAA[G>A]GTTATGGAGGAAGACAAAAACTGCCTGATAATCTTAAACAGCTTTTCAGGCCCGTAGCTA-3'
Protein context (NP_001368.2, residues 1787-1807): IFITMNPAGK[Gly1797Ser]YGGRQKLPDN

ClinVar aggregate classification (germline): Uncertain significance (1 of 4 stars; one submission).

gnomAD v4.1: 1 of 1,535,758 alleles (0.000065%); highest among the groups gnomAD compares: Non-Finnish European, 0.000088%; no homozygotes.

Submission:

GeneDx
Classification: Uncertain significance. Last evaluated: 2017-02-08. Review status: criteria provided, single submitter. Criteria: GeneDx Variant Classification (06012015). Collection method: clinical testing. Allele origin: germline. Affected: yes.
Comment: The G1797S variant in the DYNC2H1 gene has not been reported previously as a pathogenic variant, nor as a benign variant, to our knowledge. The G1797S variant is not observed in large population cohorts (Lek et al., 2016; 1000 Genomes Consortium et al., 2015; Exome Variant Server). The G1797S variant is a non-conservative amino acid substitution, which is likely to impact secondary protein structure as these residues differ in polarity, charge, size and/or other properties. This substitution occurs at a position that is conserved across species, and in silico analysis predicts this variant is probably damaging to the protein structure/function. We interpret G1797S as a variant of uncertain significance.